The following is an entry in ClinVar:

ClinVar aggregate classification (germline): Uncertain significance (1 of 4 stars; one submission).

Conditions:
Autosomal dominant nonsyndromic hearing loss 23. Identifiers: Orphanet 90635, MedGen C1854594, MONDO:0011519, OMIM 605192.
Branchiootic syndrome 3 (BOS3). Also called: BO SYNDROME 3. Identifiers: MedGen C1842124, MONDO:0012025, OMIM 608389.

Submission:

Labcorp Genetics (formerly Invitae), Labcorp
Classification: Uncertain significance for Autosomal dominant nonsyndromic hearing loss 23; Branchiootic syndrome 3. Last evaluated: 2024-07-16. Review status: criteria provided, single submitter. Criteria: Invitae Variant Classification Sherloc (09022015). Collection method: clinical testing. Allele origin: germline.
Comment: This sequence change replaces proline, which is neutral and non-polar, with leucine, which is neutral and non-polar, at codon 5 of the SIX1 protein (p.Pro5Leu). The frequency data for this variant in the population databases is considered unreliable, as metrics indicate poor data quality at this position in the gnomAD database. This variant has not been reported in the literature in individuals affected with SIX1-related conditions. An algorithm developed to predict the effect of missense changes on protein structure and function (PolyPhen-2) suggests that this variant is likely to be tolerated. In summary, the available evidence is currently insufficient to determine the role of this variant in disease. Therefore, it has been classified as a Variant of Uncertain Significance.

NM_005982.4(SIX1):c.14C>T (p.Pro5Leu)

Gene: SIX1 (SIX homeobox 1; minus strand). Cytogenetic location: 14q23.1.
Variant type: single nucleotide variant.
Coding change: c.14C>T on transcript NM_005982.4 (MANE Select); coding-DNA position 14, C replaced by T.
Protein change: p.Pro5Leu; replaces proline 5 with leucine.
Molecular consequence: missense variant.
Genome position (GRCh38, 1-based): chr14:60,649,176, G>A on the plus strand (C>T on the coding strand, the complement: SIX1 is on the minus strand). VCF-style: chr14-60649176-G-A. GRCh37 (hg19) VCF-style: chr14-61115894-G-A.
Other names: c.14C>T, p.Pro5Leu (NM_001425142.1); short protein forms P5L.
Identifiers: ClinVar variation 3763330 (VCV003763330.2).
Genomic context (GRCh38, chr14:60,649,176, plus strand): 5'-CCGCCTTGCTGCAGAACCTCGCACACGCACGCCACTTGCTCCTGCGTAAAGCCAAACGAC[G>A]GCAGCATCGACATGGCTGGGGCCTGCCGGGGCGCACGGCCCAGGCGCACGCGGCAGGGAG-3'
Protein context (NP_005973.1, residues 1-15): MSML[Pro5Leu]SFGFTQEQVA